The following is an entry in ClinVar:

NM_001278116.2(L1CAM):c.2559G>A (p.Trp853Ter)

Gene: L1CAM (L1 cell adhesion molecule; minus strand). Cytogenetic location: Xq28.
Variant type: single nucleotide variant.
Coding change: c.2559G>A on transcript NM_001278116.2 (MANE Select); coding-DNA position 2559, G replaced by A.
Protein change: p.Trp853Ter; replaces tryptophan 853 with a stop codon.
Molecular consequence: nonsense.
Genome position (GRCh38, 1-based): chrX:153,865,489, C>T on the plus strand (G>A on the coding strand, the complement: L1CAM is on the minus strand). VCF-style: chrX-153865489-C-T. GRCh37 (hg19) VCF-style: chrX-153130944-C-T.
Other names: c.2559G>A, p.Trp853Ter (NM_000425.5, NM_024003.3); c.2544G>A, p.Trp848Ter (NM_001143963.2); short protein forms W848*, W853*.
Identifiers: ClinVar variation 941225 (VCV000941225.1), dbSNP rs2064704974, ClinGen allele CA415116731.

ClinVar aggregate classification (germline): Pathogenic (1 of 4 stars; one submission).

Conditions:
Spastic paraplegia. Identifiers: MedGen C0037772, HP:0001258.

Submission:

Labcorp Genetics (formerly Invitae), Labcorp
Classification: Pathogenic for Spastic paraplegia. Last evaluated: 2019-08-05. Review status: criteria provided, single submitter. Criteria: Invitae Variant Classification Sherloc (09022015). Collection method: clinical testing. Allele origin: germline.
Comment: This sequence change creates a premature translational stop signal (p.Trp853*) in the L1CAM gene. It is expected to result in an absent or disrupted protein product. This variant is not present in population databases (ExAC no frequency). This variant has not been reported in the literature in individuals with L1CAM-related conditions. Loss-of-function variants in L1CAM are known to be pathogenic (PMID: 19846429). For these reasons, this variant has been classified as Pathogenic.